The following is an entry in ClinVar:

NM_001376.5(DYNC1H1):c.12513+6T>C

Gene: DYNC1H1 (dynein cytoplasmic 1 heavy chain 1; plus strand). Cytogenetic location: 14q32.31.
Variant type: single nucleotide variant.
Coding change: c.12513+6T>C on transcript NM_001376.5 (MANE Select); 6 bases into the intron after coding-DNA position 12513, T replaced by C.
Molecular consequence: intron variant.
Genome position (GRCh38, 1-based): chr14:102,042,754, T>C. VCF-style: chr14-102042754-T-C. GRCh37 (hg19) VCF-style: chr14-102509091-T-C.
Identifiers: ClinVar variation 3661409 (VCV003661409.2).
Genomic context (GRCh38, chr14:102,042,754, plus strand): 5'-GAAGGCCAACATGCTGAGGACGTTCAGCAGCATTCCCGTCTCACGGATATGCAAGGTAAG[T>C]ACCTTGTCCTCCTGGTATGCTTTCCCCATAGAAGCTAAAGCCCAGTCCCATCACCAAATG-3'

ClinVar aggregate classification (germline): Uncertain significance (1 of 4 stars; one submission).

Conditions:
Charcot-Marie-Tooth disease axonal type 2O. Also called: CHARCOT-MARIE-TOOTH DISEASE, AXONAL, AUTOSOMAL DOMINANT, TYPE 2O; CHARCOT-MARIE-TOOTH NEUROPATHY, AXONAL, TYPE 2O; Charcot-Marie-Tooth Neuropathy Type 2O; Charcot-Marie-Tooth disease, axonal, type 20. Identifiers: Orphanet 284232, MedGen C3280220, MONDO:0013644, OMIM 614228.

Submission:

Labcorp Genetics (formerly Invitae), Labcorp
Classification: Uncertain significance for Charcot-Marie-Tooth disease axonal type 2O. Last evaluated: 2024-08-05. Review status: criteria provided, single submitter. Criteria: Invitae Variant Classification Sherloc (09022015). Collection method: clinical testing. Allele origin: germline.
Comment: This sequence change falls in intron 69 of the DYNC1H1 gene. It does not directly change the encoded amino acid sequence of the DYNC1H1 protein. It affects a nucleotide within the consensus splice site. This variant is not present in population databases (gnomAD no frequency). This variant has not been reported in the literature in individuals affected with DYNC1H1-related conditions. Variants that disrupt the consensus splice site are a relatively common cause of aberrant splicing (PMID: 17576681, 9536098). Algorithms developed to predict the effect of sequence changes on RNA splicing suggest that this variant is not likely to affect RNA splicing. In summary, the available evidence is currently insufficient to determine the role of this variant in disease. Therefore, it has been classified as a Variant of Uncertain Significance.

Literature cited by the submitters: PubMed 17576681; PubMed 9536098.